The following is an entry in ClinVar:

ClinVar aggregate classification (germline): Uncertain significance (1 of 4 stars; one submission).

Conditions:
Chilton-Okur-Chung neurodevelopmental syndrome (CHOCNS). Identifiers: MedGen C5677022, MONDO:0859239, OMIM 619841.

gnomAD v4.1: 1 of 1,612,472 alleles (0.000062%); highest among the groups gnomAD compares: South Asian, 0.0011%; no homozygotes.

Submission:

OLLIN Analises Genomicas, OLLIN
Classification: Uncertain significance for Chilton-Okur-Chung neurodevelopmental syndrome. Last evaluated: 2026-08-06. Review status: criteria provided, single submitter. Criteria: ACMG Guidelines 2015 PMID 25741868. Collection method: clinical testing. Allele origin: germline. Inheritance: Autosomal dominant inheritance.
Comment: This missense variant, located in exon 30 (of 37), has been observed in gnomAD with an allele frequency of 0.000062%, but has not been reported in ClinVar or identified in the literature. In silico analysis is inconclusive regarding the impact of this variant. This gene is constrained for missense variation. According to the currently available evidence, this variant has been classified as uncertain significance (PP2).

NM_006035.4(CDC42BPB):c.4367G>A (p.Arg1456His)

Gene: CDC42BPB (CDC42 binding protein kinase beta; minus strand). Cytogenetic location: 14q32.32.
Variant type: single nucleotide variant.
Coding change: c.4367G>A on transcript NM_006035.4 (MANE Select); coding-DNA position 4367, G replaced by A.
Protein change: p.Arg1456His; replaces arginine 1456 with histidine.
Molecular consequence: missense variant.
Genome position (GRCh38, 1-based): chr14:102,943,932, C>T on the plus strand (G>A on the coding strand, the complement: CDC42BPB is on the minus strand). VCF-style: chr14-102943932-C-T. GRCh37 (hg19) VCF-style: chr14-103410269-C-T.
Other names: c.4289G>A, p.Arg1430His (NM_001411054.1); short protein forms R1456H, R1430H.
Identifiers: ClinVar variation 5002821 (VCV005002821.1).